The following is an entry in ClinVar:

ClinVar aggregate classification (germline): Uncertain significance (1 of 4 stars; one submission).

gnomAD v4.1: 25 of 1,613,864 alleles (0.0015%); highest among the groups gnomAD compares: Middle Eastern, 0.033%; no homozygotes.

Submission:

Labcorp Genetics (formerly Invitae), Labcorp
Classification: Uncertain significance. Last evaluated: 2025-02-15. Review status: criteria provided, single submitter. Criteria: Invitae Variant Classification Sherloc (09022015). Collection method: clinical testing. Allele origin: germline.
Comment: This sequence change replaces glycine, which is neutral and non-polar, with serine, which is neutral and polar, at codon 559 of the LCT protein (p.Gly559Ser). This variant is present in population databases (rs147029208, gnomAD 0.01%). This variant has not been reported in the literature in individuals affected with LCT-related conditions. An algorithm developed to predict the effect of missense changes on protein structure and function (PolyPhen-2) suggests that this variant is likely to be disruptive. In summary, the available evidence is currently insufficient to determine the role of this variant in disease. Therefore, it has been classified as a Variant of Uncertain Significance.

NM_002299.4(LCT):c.1675G>A (p.Gly559Ser)

Gene: LCT (lactase; minus strand). Cytogenetic location: 2q21.3.
Variant type: single nucleotide variant.
Coding change: c.1675G>A on transcript NM_002299.4 (MANE Select); coding-DNA position 1675, G replaced by A.
Protein change: p.Gly559Ser; replaces glycine 559 with serine.
Molecular consequence: missense variant.
Genome position (GRCh38, 1-based): chr2:135,817,373, C>T on the plus strand (G>A on the coding strand, the complement: LCT is on the minus strand). VCF-style: chr2-135817373-C-T. GRCh37 (hg19) VCF-style: chr2-136574943-C-T.
Other names: short protein forms G559S.
Identifiers: ClinVar variation 4752971 (VCV004752971.1).